The following is an entry in ClinVar:

ClinVar aggregate classification (germline): Uncertain significance. Review status: criteria provided, multiple submitters, no conflicts (2 of 4 stars). 2 submissions from 2 submitters: Uncertain significance (2). Last evaluated 2026-03-31.

Conditions:
Fetal akinesia deformation sequence 1 (FADS1). Also called: Pena-Shokeir syndrome type I; Fetal akinesia sequence. Identifiers: Orphanet 994, MedGen C1276035, MONDO:0100101, OMIM 208150, HP:0001989.
Congenital myasthenic syndrome 10. Also called: Myasthenia, limb-girdle, familial. Identifiers: Orphanet 590, MedGen C1850792, MONDO:0009690, OMIM 254300.

Allele frequency attached by ClinVar (database versions not stated): TOPMed 0.00001; gnomAD exomes 0.00002; gnomAD 0.00001.
gnomAD v4.1: 69 of 1,611,348 alleles (0.0043%); highest among the groups gnomAD compares: Non-Finnish European, 0.0056%; no homozygotes.

Submissions (2):

GeneDx
Classification: Uncertain significance. Last evaluated: 2026-03-31. Review status: criteria provided, single submitter. Criteria: GeneDx Variant Classification Process June 2021. Collection method: clinical testing. Allele origin: germline.
Comment: Not observed at significant frequency in large population cohorts (gnomAD); In silico analysis suggests that this missense variant does not alter protein structure/function; Has not been previously published as pathogenic or benign to our knowledge

Labcorp Genetics (formerly Invitae), Labcorp
Classification: Uncertain significance for Congenital myasthenic syndrome 10; Fetal akinesia deformation sequence 1. Last evaluated: 2021-08-28. Review status: criteria provided, single submitter. Criteria: Invitae Variant Classification Sherloc (09022015). Collection method: clinical testing. Allele origin: germline.
Comment: This sequence change replaces glycine with aspartic acid at codon 427 of the DOK7 protein (p.Gly427Asp). The glycine residue is weakly conserved and there is a moderate physicochemical difference between glycine and aspartic acid. This variant is not present in population databases (ExAC no frequency). This variant has not been reported in the literature in individuals affected with DOK7-related conditions. Algorithms developed to predict the effect of missense changes on protein structure and function output the following: SIFT: "Tolerated"; PolyPhen-2: "Benign"; Align-GVGD: "Class C0". The aspartic acid amino acid residue is found in multiple mammalian species, which suggests that this missense change does not adversely affect protein function. In summary, the available evidence is currently insufficient to determine the role of this variant in disease. Therefore, it has been classified as a Variant of Uncertain Significance.

NM_173660.5(DOK7):c.1280G>A (p.Gly427Asp)

Gene: DOK7 (docking protein 7; plus strand). Cytogenetic location: 4p16.3.
Variant type: single nucleotide variant.
Coding change: c.1280G>A on transcript NM_173660.5 (MANE Select); coding-DNA position 1280, G replaced by A.
Protein change: p.Gly427Asp; replaces glycine 427 with aspartic acid.
Molecular consequence: missense variant. On other transcripts: 3 prime UTR variant (1).
Genome position (GRCh38, 1-based): chr4:3,493,266, G>A. VCF-style: chr4-3493266-G-A. GRCh37 (hg19) VCF-style: chr4-3494993-G-A.
Other names: c.*501G>A (NM_001164673.2); c.350G>A, p.Gly117Asp (NM_001256896.2); c.1280G>A, p.Gly427Asp (NM_001301071.2); c.848G>A, p.Gly283Asp (NM_001363811.2); c.1280G>A (NM_173660.4); short protein forms G283D, G117D, G427D.
Identifiers: ClinVar variation 1043975 (VCV001043975.7), dbSNP rs2020433, ClinGen allele CA91557307.